The following is an entry in ClinVar:

NM_000719.7(CACNA1C):c.661G>C (p.Ala221Pro)

Gene: CACNA1C (calcium voltage-gated channel subunit alpha1 C; plus strand). Cytogenetic location: 12p13.33.
Variant type: single nucleotide variant.
Coding change: c.661G>C on transcript NM_000719.7 (MANE Select); coding-DNA position 661, G replaced by C.
Protein change: p.Ala221Pro; replaces alanine 221 with proline.
Molecular consequence: missense variant.
Genome position (GRCh38, 1-based): chr12:2,457,610, G>C. VCF-style: chr12-2457610-G-C. GRCh37 (hg19) VCF-style: chr12-2566776-G-C.
Other names: c.661G>C, p.Ala221Pro (NM_001129827.2, NM_001129829.2, NM_001129839.2 and 19 more transcripts); short protein forms A221P.
Identifiers: ClinVar variation 4868057 (VCV004868057.1).

ClinVar aggregate classification (germline): Uncertain significance (1 of 4 stars; one submission).

Conditions:
Cardiovascular phenotype. Identifiers: MedGen CN230736.

Submission:

Ambry Genetics
Classification: Uncertain significance for Cardiovascular phenotype. Last evaluated: 2026-04-04. Review status: criteria provided, single submitter. Criteria: Ambry Variant Classification Scheme 2023. Collection method: clinical testing. Allele origin: germline.
Comment: The p.A221P variant (also known as c.661G>C), located in coding exon 5 of the CACNA1C gene, results from a G to C substitution at nucleotide position 661. The alanine at codon 221 is replaced by proline, an amino acid with highly similar properties. This amino acid position is conserved. In addition, the in silico prediction for this alteration is inconclusive. Based on the available evidence, the clinical significance of this variant remains unclear.